The following is an entry in ClinVar:

ClinVar aggregate classification (germline): Uncertain significance (1 of 4 stars; one submission).

Conditions:
Developmental and epileptic encephalopathy, 12 (DEE12). Identifiers: MedGen C3150988, MONDO:0013389, OMIM 613722.

Allele frequency attached by ClinVar (database versions not stated): gnomAD 0.00001; TOPMed 0.00001.
gnomAD v4.1: 1 of 1,611,270 alleles (0.000062%); highest among the groups gnomAD compares: Non-Finnish European, 0.000085%; no homozygotes.

Submission:

Labcorp Genetics (formerly Invitae), Labcorp
Classification: Uncertain significance for Developmental and epileptic encephalopathy, 12. Last evaluated: 2021-08-31. Review status: criteria provided, single submitter. Criteria: Invitae Variant Classification Sherloc (09022015). Collection method: clinical testing. Allele origin: germline.
Comment: This sequence change replaces glutamine with leucine at codon 548 of the PLCB1 protein (p.Gln548Leu). The glutamine residue is highly conserved and there is a moderate physicochemical difference between glutamine and leucine. This variant is not present in population databases (ExAC no frequency). This variant has not been reported in the literature in individuals affected with PLCB1-related conditions. Algorithms developed to predict the effect of missense changes on protein structure and function are either unavailable or do not agree on the potential impact of this missense change (SIFT: "Deleterious"; PolyPhen-2: "Probably Damaging"; Align-GVGD: "Class C0"). In summary, the available evidence is currently insufficient to determine the role of this variant in disease. Therefore, it has been classified as a Variant of Uncertain Significance.

NM_015192.4(PLCB1):c.1643A>T (p.Gln548Leu)

Gene: PLCB1 (phospholipase C beta 1; plus strand). Cytogenetic location: 20p12.3.
Variant type: single nucleotide variant.
Coding change: c.1643A>T on transcript NM_015192.4 (MANE Select); coding-DNA position 1643, A replaced by T.
Protein change: p.Gln548Leu; replaces glutamine 548 with leucine.
Molecular consequence: missense variant.
Genome position (GRCh38, 1-based): chr20:8,724,717, A>T. VCF-style: chr20-8724717-A-T. GRCh37 (hg19) VCF-style: chr20-8705364-A-T.
Other names: c.1643A>T, p.Gln548Leu (NM_182734.3); short protein forms Q548L.
Identifiers: ClinVar variation 1487179 (VCV001487179.5), dbSNP rs1158119382, ClinGen allele CA408203481.
Genomic context (GRCh38, chr20:8,724,717, plus strand): 5'-GGACTGCTGGAAGTGAGGCTATGGCCACAGAAGAAATGTCTAATCTGGTGAACTATATTC[A>T]GCCAGTCAAGTTTGAGTCATTTGAAATTTCAAAAAGTAAGTTTTCCCTGGAGAAAAACCC-3'
Protein context (NP_056007.1, residues 538-558): EEMSNLVNYI[Gln548Leu]PVKFESFEIS